The following is an entry in ClinVar:

NM_001370259.2(MEN1):c.1408C>G (p.Pro470Ala)

Gene: MEN1 (menin 1; minus strand). Cytogenetic location: 11q13.1.
Variant type: single nucleotide variant.
Coding change: c.1408C>G on transcript NM_001370259.2 (MANE Select); coding-DNA position 1408, C replaced by G.
Protein change: p.Pro470Ala; replaces proline 470 with alanine.
Molecular consequence: missense variant.
Genome position (GRCh38, 1-based): chr11:64,804,759, G>C on the plus strand (C>G on the coding strand, the complement: MEN1 is on the minus strand). VCF-style: chr11-64804759-G-C. GRCh37 (hg19) VCF-style: chr11-64572231-G-C.
Other names: c.1423C>G, p.Pro475Ala (NM_000244.4, NM_130800.3, NM_130801.3 and 3 more transcripts); c.1534C>G, p.Pro512Ala (NM_001370251.2); c.1408C>G, p.Pro470Ala (NM_001370260.2, NM_001370261.2, NM_130799.3); c.1303C>G, p.Pro435Ala (NM_001370262.2, NM_001370263.2); short protein forms P470A, P435A, P475A, P512A.
Identifiers: ClinVar variation 862672 (VCV000862672.9), dbSNP rs1941557896, ClinGen allele CA381179568.

ClinVar aggregate classification (germline): Uncertain significance (1 of 4 stars; one submission).

Conditions:
Multiple endocrine neoplasia, type 1 (MEN1). Also called: MEN I; WERMER SYNDROME; MEA I; Endocrine adenomatosis multiple; MEN 1. Identifiers: Orphanet 652, MedGen C0025267, MeSH D018761, MONDO:0007540, OMIM 131100.

Submission:

Labcorp Genetics (formerly Invitae), Labcorp
Classification: Uncertain significance for Multiple endocrine neoplasia, type 1. Last evaluated: 2019-04-24. Review status: criteria provided, single submitter. Criteria: Invitae Variant Classification Sherloc (09022015). Collection method: clinical testing. Allele origin: germline.
Comment: This sequence change replaces proline with alanine at codon 470 of the MEN1 protein (p.Pro470Ala). The proline residue is weakly conserved and there is a small physicochemical difference between proline and alanine. This variant is not present in population databases (ExAC no frequency). This variant has not been reported in the literature in individuals with MEN1-related conditions. Algorithms developed to predict the effect of missense changes on protein structure and function (SIFT, PolyPhen-2, Align-GVGD) all suggest that this variant is likely to be tolerated, but these predictions have not been confirmed by published functional studies and their clinical significance is uncertain. In summary, the available evidence is currently insufficient to determine the role of this variant in disease. Therefore, it has been classified as a Variant of Uncertain Significance.